The following is an entry in ClinVar:

ClinVar aggregate classification (germline): Uncertain significance (1 of 4 stars; one submission).

Conditions:
Inborn genetic diseases. Identifiers: MedGen C0950123, MeSH D030342.

Submission:

Ambry Genetics
Classification: Uncertain significance for Inborn genetic diseases. Last evaluated: 2022-04-04. Review status: criteria provided, single submitter. Criteria: Ambry Variant Classification Scheme 2023. Collection method: clinical testing. Allele origin: germline.
Comment: The p.A436T variant (also known as c.1306G>A), located in coding exon 10 of the BUB1B gene, results from a G to A substitution at nucleotide position 1306. The alanine at codon 436 is replaced by threonine, an amino acid with similar properties. This amino acid position is conserved. In addition, this alteration is predicted to be tolerated by in silico analysis. Since supporting evidence is limited at this time, the clinical significance of this alteration remains unclear.

NM_001211.6(BUB1B):c.1306G>A (p.Ala436Thr)

Gene: BUB1B (BUB1 mitotic checkpoint serine/threonine kinase B; plus strand). Cytogenetic location: 15q15.1.
Variant type: single nucleotide variant.
Coding change: c.1306G>A on transcript NM_001211.6 (MANE Select); coding-DNA position 1306, G replaced by A.
Protein change: p.Ala436Thr; replaces alanine 436 with threonine.
Molecular consequence: missense variant.
Genome position (GRCh38, 1-based): chr15:40,199,632, G>A. VCF-style: chr15-40199632-G-A. GRCh37 (hg19) VCF-style: chr15-40491833-G-A.
Other names: short protein forms A436T.
Identifiers: ClinVar variation 1769528 (VCV001769528.2), dbSNP rs2542554776, ClinGen allele CA391688607.
Genomic context (GRCh38, chr15:40,199,632, plus strand): 5'-TTACTATGAGGAATAATACCTCAAGCAACTTTACTGTTTCTAGCCGAGCTATTGACCAGT[G>A]CAGAGAAGAGAGCAGAAATGCAGAAACAGATTGAAGAGATGGAGAAGAAGCTAAAAGAAA-3'
Protein context (NP_001202.5, residues 426-446): EQREAELLTS[Ala436Thr]EKRAEMQKQI